The following is an entry in ClinVar:

ClinVar aggregate classification (germline): Conflicting classifications of pathogenicity. Review status: criteria provided, conflicting classifications (1 of 4 stars). 2 submissions from 2 submitters: Uncertain significance (1); Likely benign (1). Last evaluated 2025-08-18.

Conditions:
Cognitive impairment - coarse facies - heart defects - obesity - pulmonary involvement - short stature - skeletal dysplasia syndrome. Also called: AFF4-Related CHOPS Syndrome; COGNITIVE IMPAIRMENT, COARSE FACIES, HEART DEFECTS, OBESITY, PULMONARY INVOLVEMENT, SHORT STATURE, AND SKELETAL DYSPLASIA; Chops syndrome. Identifiers: Orphanet 444077, MedGen C4085597, MONDO:0014609, OMIM 616368.

Submissions (2):

Labcorp Genetics (formerly Invitae), Labcorp
Classification: Uncertain significance for Cognitive impairment - coarse facies - heart defects - obesity - pulmonary involvement - short stature - skeletal dysplasia syndrome. Last evaluated: 2025-08-18. Review status: criteria provided, single submitter. Criteria: Invitae Variant Classification Sherloc (09022015). Collection method: clinical testing. Allele origin: germline.
Comment: This sequence change replaces serine, which is neutral and polar, with leucine, which is neutral and non-polar, at codon 703 of the AFF4 protein (p.Ser703Leu). This variant is not present in population databases (gnomAD no frequency). This variant has not been reported in the literature in individuals affected with AFF4-related conditions. ClinVar contains an entry for this variant (Variation ID: 802156). Invitae Evidence Modeling of protein sequence and biophysical properties (such as structural, functional, and spatial information, amino acid conservation, physicochemical variation, residue mobility, and thermodynamic stability) indicates that this missense variant is expected to disrupt AFF4 protein function with a positive predictive value of 80%. In summary, the available evidence is currently insufficient to determine the role of this variant in disease. Therefore, it has been classified as a Variant of Uncertain Significance.

Mendelics
Classification: Likely benign for Cognitive impairment - coarse facies - heart defects - obesity - pulmonary involvement - short stature - skeletal dysplasia syndrome. Last evaluated: 2019-05-28. Review status: criteria provided, single submitter. Criteria: Mendelics Assertion Criteria 2017. Collection method: clinical testing. Allele origin: unknown.

NM_014423.4(AFF4):c.2108C>T (p.Ser703Leu)

Gene: AFF4 (ALF transcription elongation factor 4; minus strand). Cytogenetic location: 5q31.1.
Variant type: single nucleotide variant.
Coding change: c.2108C>T on transcript NM_014423.4 (MANE Select); coding-DNA position 2108, C replaced by T.
Protein change: p.Ser703Leu; replaces serine 703 with leucine.
Molecular consequence: missense variant.
Genome position (GRCh38, 1-based): chr5:132,896,522, G>A on the plus strand (C>T on the coding strand, the complement: AFF4 is on the minus strand). VCF-style: chr5-132896522-G-A. GRCh37 (hg19) VCF-style: chr5-132232214-G-A.
Other names: short protein forms S703L.
Identifiers: ClinVar variation 802156 (VCV000802156.4), dbSNP rs1581278077, ClinGen allele CA360934287.